The following is an entry in ClinVar:

NM_032447.5(FBN3):c.5477G>A (p.Gly1826Asp)

Gene: FBN3 (fibrillin 3; minus strand). Cytogenetic location: 19p13.2.
Variant type: single nucleotide variant.
Coding change: c.5477G>A on transcript NM_032447.5 (MANE Select); coding-DNA position 5477, G replaced by A.
Protein change: p.Gly1826Asp; replaces glycine 1826 with aspartic acid.
Molecular consequence: missense variant.
Genome position (GRCh38, 1-based): chr19:8,096,506, C>T on the plus strand (G>A on the coding strand, the complement: FBN3 is on the minus strand). VCF-style: chr19-8096506-C-T. GRCh37 (hg19) VCF-style: chr19-8161390-C-T.
Other names: c.5477G>A (NM_032447.3); c.5477G>A, p.Gly1826Asp (NM_001321431.2); short protein forms G1826D.
Identifiers: ClinVar variation 2188595 (VCV002188595.7), dbSNP rs143761835, ClinGen allele CA9151648.

ClinVar aggregate classification (germline): Uncertain significance. Review status: criteria provided, multiple submitters, no conflicts (2 of 4 stars). 2 submissions from 2 submitters: Uncertain significance (2). Last evaluated 2025-11-25.

Allele frequency attached by ClinVar (database versions not stated): gnomAD exomes 0.00003; ExAC 0.00012; ESP Exome Variant Server 0.00054.
gnomAD v4.1: 109 of 1,613,862 alleles (0.0068%); highest among the groups gnomAD compares: African/African-American, 0.14%; no homozygotes.

Submissions (2):

Labcorp Genetics (formerly Invitae), Labcorp
Classification: Uncertain significance. Last evaluated: 2025-11-25. Review status: criteria provided, single submitter. Criteria: Invitae Variant Classification Sherloc (09022015). Collection method: clinical testing. Allele origin: germline.
Comment: This sequence change replaces glycine, which is neutral and non-polar, with aspartic acid, which is acidic and polar, at codon 1826 of the FBN3 protein (p.Gly1826Asp). This variant is present in population databases (rs143761835, gnomAD 0.1%), and has an allele count higher than expected for a pathogenic variant. This variant has not been reported in the literature in individuals affected with FBN3-related conditions. ClinVar contains an entry for this variant (Variation ID: 2188595). Invitae Evidence Modeling of protein sequence and biophysical properties (such as structural, functional, and spatial information, amino acid conservation, physicochemical variation, residue mobility, and thermodynamic stability) indicates that this missense variant is expected to disrupt FBN3 protein function with a positive predictive value of 80%. In summary, the available evidence is currently insufficient to determine the role of this variant in disease. Therefore, it has been classified as a Variant of Uncertain Significance.

Ambry Genetics
Classification: Uncertain significance. Last evaluated: 2025-11-05. Review status: criteria provided, single submitter. Criteria: Ambry Variant Classification Scheme 2023. Collection method: clinical testing. Allele origin: germline.